The following is an entry in ClinVar:

NM_002439.5(MSH3):c.1025A>G (p.Glu342Gly)

Genes: MSH3 (mutS homolog 3; plus strand), LOC126807437 (MED14-independent group 3 enhancer GRCh37_chr5:79968379-79969578; plus strand). Cytogenetic location: 5q14.1.
Variant type: single nucleotide variant.
Coding change: c.1025A>G on transcript NM_002439.5 (MANE Select); coding-DNA position 1025, A replaced by G.
Protein change: p.Glu342Gly; replaces glutamic acid 342 with glycine.
Molecular consequence: missense variant.
Genome position (GRCh38, 1-based): chr5:80,672,856, A>G. VCF-style: chr5-80672856-A-G. GRCh37 (hg19) VCF-style: chr5-79968675-A-G.
Other names: short protein forms E342G.
Identifiers: ClinVar variation 1484912 (VCV001484912.8), dbSNP rs2112814392, ClinGen allele CA360267558.

ClinVar aggregate classification (germline): Uncertain significance (1 of 4 stars; one submission).

Submission:

Labcorp Genetics (formerly Invitae), Labcorp
Classification: Uncertain significance. Last evaluated: 2021-05-09. Review status: criteria provided, single submitter. Criteria: Invitae Variant Classification Sherloc (09022015). Collection method: clinical testing. Allele origin: germline.
Comment: This sequence change replaces glutamic acid with glycine at codon 342 of the MSH3 protein (p.Glu342Gly). The glutamic acid residue is highly conserved and there is a moderate physicochemical difference between glutamic acid and glycine. This variant is not present in population databases (ExAC no frequency). This variant has not been reported in the literature in individuals with MSH3-related conditions. Algorithms developed to predict the effect of missense changes on protein structure and function are either unavailable or do not agree on the potential impact of this missense change (SIFT: "Tolerated"; PolyPhen-2: "Probably Damaging"; Align-GVGD: "Class C0"). In summary, the available evidence is currently insufficient to determine the role of this variant in disease. Therefore, it has been classified as a Variant of Uncertain Significance.